The following is an entry in ClinVar:

NM_016824.5(ADD3):c.410C>T (p.Thr137Ile)

Gene: ADD3 (adducin 3; plus strand). Cytogenetic location: 10q25.2.
Variant type: single nucleotide variant.
Coding change: c.410C>T on transcript NM_016824.5 (MANE Select); coding-DNA position 410, C replaced by T.
Protein change: p.Thr137Ile; replaces threonine 137 with isoleucine.
Molecular consequence: missense variant.
Genome position (GRCh38, 1-based): chr10:110,116,334, C>T. VCF-style: chr10-110116334-C-T. GRCh37 (hg19) VCF-style: chr10-111876092-C-T.
Other names: c.410C>T, p.Thr137Ile (NM_001121.4, NM_001320591.2, NM_001320592.2 and 2 more transcripts); c.176C>T, p.Thr59Ile (NM_001320594.2); c.410C>T (NM_016824.3); short protein forms T137I, T59I.
Identifiers: ClinVar variation 1492174 (VCV001492174.7), dbSNP rs1266092707, ClinGen allele CA378366540.

ClinVar aggregate classification (germline): Uncertain significance. Review status: criteria provided, multiple submitters, no conflicts (2 of 4 stars). 3 submissions from 3 submitters: Uncertain significance (3). Last evaluated 2022-09-01.

Allele frequency attached by ClinVar (database versions not stated): TOPMed below 0.00001; gnomAD 0.00001.
gnomAD v4.1: 2 of 1,614,056 alleles (0.00012%); highest among the groups gnomAD compares: Admixed American, 0.0017%; no homozygotes.

Submissions (3):

GeneDx
Classification: Uncertain significance. Last evaluated: 2022-09-01. Review status: criteria provided, single submitter. Criteria: GeneDx Variant Classification Process June 2021. Collection method: clinical testing. Allele origin: germline. Affected: yes.
Comment: Not observed at significant frequency in large population cohorts (gnomAD); In silico analysis supports that this missense variant does not alter protein structure/function; Has not been previously published as pathogenic or benign to our knowledge

Ambry Genetics
Classification: Uncertain significance. Last evaluated: 2022-03-29. Review status: criteria provided, single submitter. Criteria: Ambry Variant Classification Scheme 2023. Collection method: clinical testing. Allele origin: germline.

Labcorp Genetics (formerly Invitae), Labcorp
Classification: Uncertain significance. Last evaluated: 2021-09-24. Review status: criteria provided, single submitter. Criteria: Invitae Variant Classification Sherloc (09022015). Collection method: clinical testing. Allele origin: germline.
Comment: This sequence change replaces threonine with isoleucine at codon 137 of the ADD3 protein (p.Thr137Ile). The threonine residue is moderately conserved and there is a moderate physicochemical difference between threonine and isoleucine. This variant is not present in population databases (ExAC no frequency). This variant has not been reported in the literature in individuals with ADD3-related conditions. Algorithms developed to predict the effect of missense changes on protein structure and function are either unavailable or do not agree on the potential impact of this missense change (SIFT: "Not Available"; PolyPhen-2: "Benign"; Align-GVGD: "Not Available"). In summary, the available evidence is currently insufficient to determine the role of this variant in disease. Therefore, it has been classified as a Variant of Uncertain Significance.